The following is an entry in ClinVar:

ClinVar aggregate classification (germline): Uncertain significance (1 of 4 stars; one submission).

Allele frequency attached by ClinVar (database versions not stated): gnomAD exomes below 0.00001.
gnomAD v4.1: 1 of 1,188,783 alleles (0.000084%); highest among the groups gnomAD compares: Admixed American, 0.0022%; no homozygotes.

Submission:

GeneDx
Classification: Uncertain significance. Last evaluated: 2019-12-10. Review status: criteria provided, single submitter. Criteria: GeneDx Variant Classification Process June 2021. Collection method: clinical testing. Allele origin: germline. Affected: yes.
Comment: In silico analysis, which includes protein predictors and evolutionary conservation, supports that this variant does not alter protein structure/function; Has not been previously published as pathogenic or benign to our knowledge; No data available from control populations to assess the frequency of this variant

NM_001368397.1(FRMPD4):c.2687T>C (p.Leu896Ser)

Gene: FRMPD4 (FERM and PDZ domain containing 4; plus strand). Cytogenetic location: Xp22.2.
Variant type: single nucleotide variant.
Coding change: c.2687T>C on transcript NM_001368397.1 (MANE Select); coding-DNA position 2687, T replaced by C.
Protein change: p.Leu896Ser; replaces leucine 896 with serine.
Molecular consequence: missense variant.
Genome position (GRCh38, 1-based): chrX:12,717,513, T>C. VCF-style: chrX-12717513-T-C. GRCh37 (hg19) VCF-style: chrX-12735632-T-C.
Other names: c.2798T>C, p.Leu933Ser (NM_001368395.3, NM_001368398.3); c.2693T>C, p.Leu898Ser (NM_001368396.3); c.2678T>C, p.Leu893Ser (NM_001368399.3); c.2567T>C, p.Leu856Ser (NM_001368400.3); c.2663T>C, p.Leu888Ser (NM_001368401.1, NM_001368402.3); c.2687T>C, p.Leu896Ser (NM_014728.3); short protein forms L856S, L888S, L893S, L896S, L898S, L933S.
Identifiers: ClinVar variation 1310375 (VCV001310375.2), dbSNP rs1183106173, ClinGen allele CA412314170.